The following is an entry in ClinVar:

ClinVar aggregate classification (germline): Likely benign. Review status: criteria provided, multiple submitters, no conflicts (2 of 4 stars). 2 submissions from 2 submitters: Likely benign (2). Last evaluated 2025-11-17.

Submissions (2):

Labcorp Genetics (formerly Invitae), Labcorp
Classification: Likely benign. Last evaluated: 2025-11-17. Review status: criteria provided, single submitter. Criteria: Invitae Variant Classification Sherloc (09022015). Collection method: clinical testing. Allele origin: germline.

GeneDx
Classification: Likely benign. Last evaluated: 2022-05-23. Review status: criteria provided, single submitter. Criteria: GeneDx Variant Classification Process June 2021. Collection method: clinical testing. Allele origin: germline. Affected: yes.
Comment: See Variant Classification Assertion Criteria.

NM_001852.4(COL9A2):c.1604-8_1604-7insCTCT

Gene: COL9A2 (collagen type IX alpha 2 chain; minus strand). Cytogenetic location: 1p34.2.
Variant type: Microsatellite.
Coding change: c.1604-8_1604-7insCTCT on transcript NM_001852.4 (MANE Select); 8 bases into the intron before coding-DNA position 1604 through 7 bases into the intron before coding-DNA position 1604, CTCT inserted.
Molecular consequence: intron variant.
Genome position: GRCh38 VCF-style: chr1-40302816-G-GGAGA. GRCh37 (hg19) VCF-style: chr1-40768488-G-GGAGA.
Identifiers: ClinVar variation 1632089 (VCV001632089.9), dbSNP rs1189471124, ClinGen allele CA522802812.